The following is an entry in ClinVar:

ClinVar aggregate classification (germline): Uncertain significance (1 of 4 stars; one submission).

Submission:

Labcorp Genetics (formerly Invitae), Labcorp
Classification: Uncertain significance. Last evaluated: 2024-03-13. Review status: criteria provided, single submitter. Criteria: Invitae Variant Classification Sherloc (09022015). Collection method: clinical testing. Allele origin: germline.
Comment: This sequence change creates a premature translational stop signal (p.Gly35Alafs*9) in the IFT57 gene. It is expected to result in an absent or disrupted protein product. However, the current clinical and genetic evidence is not sufficient to establish whether loss-of-function variants in IFT57 cause disease. This variant is present in population databases (rs757304821, gnomAD 0.006%). This variant has not been reported in the literature in individuals affected with IFT57-related conditions. In summary, the available evidence is currently insufficient to determine the role of this variant in disease. Therefore, it has been classified as a Variant of Uncertain Significance.

NM_018010.4(IFT57):c.99del (p.Gly35fs)

Gene: IFT57 (intraflagellar transport 57; minus strand). Cytogenetic location: 3q13.13.
Variant type: Deletion.
Coding change: c.99del on transcript NM_018010.4 (MANE Select); coding-DNA position 99, one base deleted (G; older notation c.99delG).
Protein change: p.Gly35fs; shifts the reading frame from glycine 35.
Molecular consequence: frameshift variant.
Genome position (GRCh38, 1-based): chr3:108,222,224, C deleted on the plus strand (G on the coding strand, the reverse complement: IFT57 is on the minus strand); the first of 5 consecutive C bases (chr3:108,222,224-108,222,228); deleting any one gives the same sequence. VCF-style (leftmost placement, unchanged base first): chr3-108222223-GC-G. GRCh37 (hg19) VCF-style: chr3-107941070-GC-G.
Other names: short protein forms G35fs.
Identifiers: ClinVar variation 2885378 (VCV002885378.3), dbSNP rs757304821, ClinGen allele CA2526842.